The following is an entry in ClinVar:

ClinVar aggregate classification (germline): Uncertain significance (1 of 4 stars; one submission).

Conditions:
Hereditary cancer-predisposing syndrome. Also called: Neoplastic Syndromes, Hereditary; Tumor predisposition; Hereditary neoplastic syndrome; Hereditary Cancer Syndrome. Identifiers: Orphanet 140162, MedGen C0027672, MeSH D009386, MONDO:0015356.

Submission:

Ambry Genetics
Classification: Uncertain significance for Hereditary cancer-predisposing syndrome. Last evaluated: 2026-09-03. Review status: criteria provided, single submitter. Criteria: Ambry Variant Classification Scheme 2023. Collection method: clinical testing. Allele origin: germline.
Comment: The c.4087_4089delGTC variant (also known as p.V1363del) is located in coding exon 33 of the TSC2 gene. This variant results from an in-frame GTC deletion at nucleotide positions 4087 to 4089. This results in the in-frame deletion of a valine at codon 1363. This amino acid position is not well conserved in available vertebrate species. In addition, this variant is predicted to be neutral by in silico analysis (Choi Y et al. PLoS ONE. 2012; 7(10):e46688). Based on the available evidence, the clinical significance of this variant remains unclear.

NM_000548.5(TSC2):c.4084GTC[1] (p.Val1363del)

Gene: TSC2 (TSC complex subunit 2; plus strand). Cytogenetic location: 16p13.3.
Variant type: Microsatellite.
Coding change: c.4084GTC[1] on transcript NM_000548.5 (MANE Select); one copy of the 3-base unit GTC starting at c.4084; the reference has two copies in a row; one copy, 3 bases deleted.
Protein change: p.Val1363del; deletes valine 1363.
Molecular consequence: inframe indel (on NM_000548.3). On other transcripts: non-coding transcript variant (5).
Genome position (GRCh38, 1-based): chr16:2,084,309-2,084,311, GTC deleted; deleting any 3 consecutive bases within chr16:2,084,306-2,084,311 gives the same sequence; the position shown is the placement nearest the transcript's 3' end. VCF-style (leftmost placement, unchanged base first): chr16-2084305-AGTC-A. GRCh37 (hg19) VCF-style: chr16-2134306-AGTC-A.
Other names: c.4084_4086GTC[1], p.Val1363del (NM_000548.3); c.3883GTC[1], p.Val1296del (NM_001077183.3); c.4015GTC[1], p.Val1340del (NM_001114382.3); c.3775GTC[1], p.Val1260del (NM_001318827.2); c.3739GTC[1], p.Val1248del (NM_001318829.2); c.3352GTC[1], p.Val1119del (NM_001318831.2); c.3874GTC[1], p.Val1293del (NM_001406671.1); c.3871GTC[1], p.Val1292del (NM_001406673.1); and 28 more; short protein forms V1119del, V1291del, V1303del, V1320del, V762del, V1097del, V1139del, V1143del.
Identifiers: ClinVar variation 5031406 (VCV005031406.1).